The following is an entry in ClinVar:

ClinVar aggregate classification (germline): Likely benign. Review status: criteria provided, single submitter (1 of 4 stars). 2 submissions from 2 submitters: Likely benign (1). 1 of the submissions does not count toward it. Last evaluated 2024-04-25.

Conditions:
PCNT-related disorder. Also called: PCNT-related condition.

Allele frequency attached by ClinVar (database versions not stated): gnomAD 0.00004; TOPMed 0.00004; 1000 Genomes Project 30x 0.00016; ESP Exome Variant Server 0.00017; 1000 Genomes Project 0.00020.
gnomAD v4.1: 40 of 1,603,066 alleles (0.0025%); highest among the groups gnomAD compares: East Asian, 0.013%; no homozygotes.

Submissions (2):

Labcorp Genetics (formerly Invitae), Labcorp
Classification: Likely benign. Last evaluated: 2024-04-25. Review status: criteria provided, single submitter. Criteria: Invitae Variant Classification Sherloc (09022015). Collection method: clinical testing. Allele origin: germline.

PreventionGenetics, part of Exact Sciences
Classification: Likely benign for PCNT-related condition. Last evaluated: 2021-10-05. Review status: no assertion criteria provided. Collection method: clinical testing. Allele origin: germline. Not counted in ClinVar's aggregate classification.
Comment: This variant is classified as likely benign based on ACMG/AMP sequence variant interpretation guidelines (Richards et al. 2015 PMID: 25741868, with internal and published modifications).

NM_006031.6(PCNT):c.6858G>A (p.Ala2286=)

Gene: PCNT (pericentrin; plus strand). Cytogenetic location: 21q22.3.
Variant type: single nucleotide variant.
Coding change: c.6858G>A on transcript NM_006031.6 (MANE Select); coding-DNA position 6858, G replaced by A.
Protein change: p.Ala2286=; no amino-acid change (alanine 2286 retained).
Molecular consequence: synonymous variant.
Genome position (GRCh38, 1-based): chr21:46,416,776, G>A. VCF-style: chr21-46416776-G-A. GRCh37 (hg19) VCF-style: chr21-47836690-G-A.
Other names: c.6504G>A, p.Ala2168= (NM_001315529.2); c.6858G>A (NM_006031.5).
Identifiers: ClinVar variation 2414674 (VCV002414674.9), dbSNP rs142292868, ClinGen allele CA10080423.
Genomic context (GRCh38, chr21:46,416,776, plus strand): 5'-CTCGCTGCCACAGACCCAGGGGCCGGGGCTGCTTTGTTCCCCAGGCGTGTCTGCAGCAGC[G>A]CTGGCACTGCAGTGGGCCGAGTCTCCGCCGGCTGACGACCACCATGTGCAGAGGACGGCT-3'
Protein context (NP_006022.3, residues 2276-2296): LLCSPGVSAA[Ala2286=]LALQWAESPP